The following is an entry in ClinVar:

NM_001267550.2(TTN):c.81926G>A (p.Trp27309Ter)

Genes: TTN-AS1 (TTN antisense RNA 1; plus strand), TTN (titin; minus strand). Cytogenetic location: 2q31.2.
Variant type: single nucleotide variant.
Coding change: c.81926G>A on transcript NM_001267550.2 (MANE Select); coding-DNA position 81926, G replaced by A.
Protein change: p.Trp27309Ter; replaces tryptophan 27309 with a stop codon.
Molecular consequence: nonsense.
Genome position (GRCh38, 1-based): chr2:178,564,206, C>T on the plus strand (G>A on the coding strand, the complement: TTN is on the minus strand). VCF-style: chr2-178564206-C-T. GRCh37 (hg19) VCF-style: chr2-179428933-C-T.
Other names: c.77003G>A, p.Trp25668Ter (NM_001256850.1); c.54731G>A, p.Trp18244Ter (NM_003319.4); c.74222G>A, p.Trp24741Ter (NM_133378.4); c.55106G>A, p.Trp18369Ter (NM_133432.3); c.55307G>A, p.Trp18436Ter (NM_133437.4); short protein forms W18244*, W24741*, W25668*, W18369*, W18436*, W27309*.
Identifiers: ClinVar variation 3463745 (VCV003463745.2).

ClinVar aggregate classification (germline): Likely pathogenic. Review status: criteria provided, multiple submitters, no conflicts (2 of 4 stars). 2 submissions from 2 submitters: Likely pathogenic (2). Last evaluated 2026-01-10.

Conditions:
Cardiovascular phenotype. Identifiers: MedGen CN230736.
Autosomal recessive limb-girdle muscular dystrophy type 2J (LGMDR10). Also called: MUSCULAR DYSTROPHY, LIMB-GIRDLE, AUTOSOMAL RECESSIVE 10; Limb-girdle muscular dystrophy, type 2J. Identifiers: Orphanet 140922, MedGen C1837342, MONDO:0012127, OMIM 608807.
Dilated cardiomyopathy 1G (CMD1G). Identifiers: Orphanet 154, MedGen C1858763, MONDO:0011400, OMIM 604145.

Submissions (2):

Labcorp Genetics (formerly Invitae), Labcorp
Classification: Likely pathogenic for Dilated cardiomyopathy 1G; Autosomal recessive limb-girdle muscular dystrophy type 2J. Last evaluated: 2026-01-10. Review status: criteria provided, single submitter. Criteria: Invitae Variant Classification Sherloc (09022015). Collection method: clinical testing. Allele origin: germline.
Comment: This sequence change creates a premature translational stop signal (p.Trp27309*) in the TTN gene. While this is not anticipated to result in nonsense mediated decay, it is expected to create a truncated TTN protein. This variant is not present in population databases (gnomAD no frequency). This variant has not been reported in the literature in individuals affected with TTN-related conditions. ClinVar contains an entry for this variant (Variation ID: 3463745). This variant is located in the A band of TTN (PMID: 25589632). Truncating variants in this region are significantly overrepresented in patients affected with dilated cardiomyopathy (PMID: 25589632). Truncating variants in this region have also been reported in individuals affected with autosomal recessive centronuclear myopathy (PMID: 23975875). In summary, the currently available evidence indicates that the variant is pathogenic, but additional data are needed to prove that conclusively. Therefore, this variant has been classified as Likely Pathogenic.

Ambry Genetics
Classification: Likely pathogenic for Cardiovascular phenotype. Last evaluated: 2024-07-31. Review status: criteria provided, single submitter. Criteria: Ambry Variant Classification Scheme 2023. Collection method: clinical testing. Allele origin: germline.
Comment: The p.W18244* variant (also known as c.54731G>A), located in coding exon 153 of the TTN gene, results from a G to A substitution at nucleotide position 54731. This changes the amino acid from a tryptophan to a stop codon within coding exon 153. This exon is located in the A-band region of the N2-B isoform of the titin protein and is constitutively expressed in TTN transcripts (percent spliced in or PSI 100%). This variant is considered to be rare based on population cohorts in the Genome Aggregation Database (gnomAD). This alteration is expected to result in loss of function by premature protein truncation or nonsense-mediated mRNA decay. While truncating variants in TTN are present in 1-3% of the general population, truncating variants in the A-band are the most common cause of dilated cardiomyopathy (DCM) (Herman DS et al. N. Engl. J. Med., 2012 Feb;366:619-28; Roberts AM et al. Sci Transl Med, 2015 Jan;7:270ra6). TTN truncating variants encoded in constitutive exons (PSI >90%) have been found to be significantly associated with DCM regardless of their position in titin (Schafer S et al. Nat. Genet., 2017 01;49:46-53). Based on the majority of available evidence to date, this variant is likely to be pathogenic.

Literature cited by the submitters: PubMed 25589632 (cited by Labcorp Genetics (formerly Invitae), Labcorp); PubMed 23975875 (cited by Labcorp Genetics (formerly Invitae), Labcorp).